The following is an entry in ClinVar:

NM_001385641.1(SAMD11):c.2115G>T (p.Lys705Asn)

Genes: SAMD11 (sterile alpha motif domain containing 11; plus strand), LOC129929063 (ATAC-STARR-seq lymphoblastoid active region 4; plus strand). Cytogenetic location: 1p36.33.
Variant type: single nucleotide variant.
Coding change: c.2115G>T on transcript NM_001385641.1 (MANE Select); coding-DNA position 2115, G replaced by T.
Protein change: p.Lys705Asn; replaces lysine 705 with asparagine.
Molecular consequence: missense variant.
Genome position (GRCh38, 1-based): chr1:943,314, G>T. VCF-style: chr1-943314-G-T. GRCh37 (hg19) VCF-style: chr1-878694-G-T.
Other names: c.2118G>T, p.Lys706Asn (NM_001385640.1); c.1626G>T, p.Lys542Asn (NM_152486.4); short protein forms K542N, K706N, K705N.
Identifiers: ClinVar variation 1960063 (VCV001960063.4), dbSNP rs780287958, ClinGen allele CA503154.

ClinVar aggregate classification (germline): Uncertain significance (1 of 4 stars; one submission).

Allele frequency attached by ClinVar (database versions not stated): TOPMed 0.00002.
gnomAD v4.1: 17 of 1,611,754 alleles (0.0011%); highest among the groups gnomAD compares: Admixed American, 0.0033%; no homozygotes.

Submission:

Labcorp Genetics (formerly Invitae), Labcorp
Classification: Uncertain significance. Last evaluated: 2024-10-24. Review status: criteria provided, single submitter. Criteria: Invitae Variant Classification Sherloc (09022015). Collection method: clinical testing. Allele origin: germline.
Comment: This sequence change replaces lysine, which is basic and polar, with asparagine, which is neutral and polar, at codon 542 of the SAMD11 protein (p.Lys542Asn). This variant is present in population databases (rs780287958, gnomAD 0.009%). This variant has not been reported in the literature in individuals affected with SAMD11-related conditions. ClinVar contains an entry for this variant (Variation ID: 1960063). An algorithm developed to predict the effect of missense changes on protein structure and function (PolyPhen-2) suggests that this variant is likely to be disruptive. In summary, the available evidence is currently insufficient to determine the role of this variant in disease. Therefore, it has been classified as a Variant of Uncertain Significance.